The following is an entry in ClinVar:

NM_000059.4(BRCA2):c.10195G>A (p.Ala3399Thr)

Gene: BRCA2 (BRCA2 DNA repair associated; plus strand). Cytogenetic location: 13q13.1.
Variant type: single nucleotide variant.
Coding change: c.10195G>A on transcript NM_000059.4 (MANE Select); coding-DNA position 10195, G replaced by A.
Protein change: p.Ala3399Thr; replaces alanine 3399 with threonine.
Molecular consequence: missense variant.
Genome position (GRCh38, 1-based): chr13:32,398,708, G>A. VCF-style: chr13-32398708-G-A. GRCh37 (hg19) VCF-style: chr13-32972845-G-A.
Other names: short protein forms A3399T.
Identifiers: ClinVar variation 383800 (VCV000383800.12), dbSNP rs1057521734, ClinGen allele CA16606845.

ClinVar aggregate classification (germline): Conflicting classifications of pathogenicity. Review status: criteria provided, conflicting classifications (1 of 4 stars). 3 submissions from 3 submitters: Uncertain significance (2); Likely benign (1). Last evaluated 2025-10-28.

Conditions:
Hereditary cancer-predisposing syndrome. Also called: Hereditary Cancer Syndrome; Hereditary neoplastic syndrome; Neoplastic Syndromes, Hereditary; Tumor predisposition. Identifiers: Orphanet 140162, MedGen C0027672, MeSH D009386, MONDO:0015356.
Hereditary breast ovarian cancer syndrome. Also called: Hereditary breast and ovarian cancer syndrome; Hereditary breast and ovarian cancer; Breast and ovarian cancer; BRCA1- and BRCA2-Associated Hereditary Breast and Ovarian Cancer; Hereditary breast and/or ovarian cancer syndrome; Hereditary breast and ovarian cancer syndrome (HBOC). Identifiers: Orphanet 145, MedGen C0677776, MeSH D061325, MONDO:0003582. Disease mechanism: loss of function.

Allele frequency attached by ClinVar (database versions not stated): TOPMed below 0.00001; gnomAD 0.00001.
gnomAD v4.1: 1 of 1,613,934 alleles (0.000062%); highest among the groups gnomAD compares: African/African-American, 0.0013%; no homozygotes.

Submissions (3):

Ambry Genetics
Classification: Uncertain significance for Hereditary cancer-predisposing syndrome. Last evaluated: 2025-10-28. Review status: criteria provided, single submitter. Criteria: Ambry Variant Classification Scheme 2023. Collection method: clinical testing. Allele origin: germline.
Comment: The p.A3399T variant (also known as c.10195G>A), located in coding exon 26 of the BRCA2 gene, results from a G to A substitution at nucleotide position 10195. The alanine at codon 3399 is replaced by threonine, an amino acid with similar properties. This amino acid position is not well conserved in available vertebrate species. In addition, this alteration is predicted to be tolerated by in silico analysis. Since supporting evidence is limited at this time, the clinical significance of this alteration remains unclear.

Labcorp Genetics (formerly Invitae), Labcorp
Classification: Uncertain significance for Hereditary breast ovarian cancer syndrome. Last evaluated: 2025-04-21. Review status: criteria provided, single submitter. Criteria: Invitae Variant Classification Sherloc (09022015). Collection method: clinical testing. Allele origin: germline.
Comment: This sequence change replaces alanine, which is neutral and non-polar, with threonine, which is neutral and polar, at codon 3399 of the BRCA2 protein (p.Ala3399Thr). This variant is not present in population databases (gnomAD no frequency). This variant has not been reported in the literature in individuals affected with BRCA2-related conditions. ClinVar contains an entry for this variant (Variation ID: 383800). Invitae Evidence Modeling of protein sequence and biophysical properties (such as structural, functional, and spatial information, amino acid conservation, physicochemical variation, residue mobility, and thermodynamic stability) indicates that this missense variant is not expected to disrupt BRCA2 protein function with a negative predictive value of 95%. In summary, the available evidence is currently insufficient to determine the role of this variant in disease. Therefore, it has been classified as a Variant of Uncertain Significance.

GeneDx
Classification: Likely benign. Last evaluated: 2016-02-16. Review status: criteria provided, single submitter. Criteria: GeneDx Variant Classification (06012015). Collection method: clinical testing. Allele origin: germline. Affected: yes.
Comment: This variant is considered likely benign or benign based on one or more of the following criteria: it is a conservative change, it occurs at a poorly conserved position in the protein, it is predicted to be benign by multiple in silico algorithms, and/or has population frequency not consistent with disease.